The following is an entry in ClinVar:

NM_004656.4(BAP1):c.1803G>T (p.Lys601Asn)

Gene: BAP1 (BRCA1 associated deubiquitinase 1; minus strand). Cytogenetic location: 3p21.1.
Variant type: single nucleotide variant.
Coding change: c.1803G>T on transcript NM_004656.4 (MANE Select); coding-DNA position 1803, G replaced by T.
Protein change: p.Lys601Asn; replaces lysine 601 with asparagine.
Molecular consequence: missense variant.
Genome position (GRCh38, 1-based): chr3:52,403,225, C>A on the plus strand (G>T on the coding strand, the complement: BAP1 is on the minus strand). VCF-style: chr3-52403225-C-A. GRCh37 (hg19) VCF-style: chr3-52437241-C-A.
Other names: c.1749G>T, p.Lys583Asn (NM_001410772.1); short protein forms K583N, K601N.
Identifiers: ClinVar variation 2770207 (VCV002770207.3), dbSNP rs1705025142, ClinGen allele CA353098718.

ClinVar aggregate classification (germline): Uncertain significance (1 of 4 stars; one submission).

Conditions:
BAP1-related tumor predisposition syndrome (TPDS1). Also called: BAP1 tumor predisposition syndrome; Tumor susceptibility linked to germline BAP1 mutations; COMMON Syndrome; TUMOR PREDISPOSITION SYNDROME 1. Identifiers: Orphanet 289539, MedGen C3280492, MONDO:0013692, OMIM 614327.

Submission:

Labcorp Genetics (formerly Invitae), Labcorp
Classification: Uncertain significance for BAP1-related tumor predisposition syndrome. Last evaluated: 2023-10-20. Review status: criteria provided, single submitter. Criteria: Invitae Variant Classification Sherloc (09022015). Collection method: clinical testing. Allele origin: germline.
Comment: This sequence change replaces lysine, which is basic and polar, with asparagine, which is neutral and polar, at codon 601 of the BAP1 protein (p.Lys601Asn). This variant is not present in population databases (gnomAD no frequency). This variant has not been reported in the literature in individuals affected with BAP1-related conditions. Advanced modeling of protein sequence and biophysical properties (such as structural, functional, and spatial information, amino acid conservation, physicochemical variation, residue mobility, and thermodynamic stability) performed at Invitae indicates that this missense variant is not expected to disrupt BAP1 protein function. In summary, the available evidence is currently insufficient to determine the role of this variant in disease. Therefore, it has been classified as a Variant of Uncertain Significance.